The following is an entry in ClinVar:

ClinVar aggregate classification (germline): Uncertain significance (1 of 4 stars; one submission).

Submission:

Ambry Genetics
Classification: Uncertain significance. Last evaluated: 2024-09-15. Review status: criteria provided, single submitter. Criteria: Ambry Variant Classification Scheme 2023. Collection method: clinical testing. Allele origin: germline.
Comment: The p.I269F variant (also known as c.805A>T), located in coding exon 1 of the EGLN1 gene, results from an A to T substitution at nucleotide position 805. The isoleucine at codon 269 is replaced by phenylalanine, an amino acid with highly similar properties. This amino acid position is conserved. In addition, this alteration is predicted to be deleterious by in silico analysis. Since supporting evidence is limited at this time, the clinical significance of this alteration remains unclear.

NM_022051.3(EGLN1):c.805A>T (p.Ile269Phe)

Genes: EGLN1 (egl-9 family hypoxia inducible factor 1; minus strand), LOC129932769 (ATAC-STARR-seq lymphoblastoid active region 2730; plus strand). Cytogenetic location: 1q42.2.
Variant type: single nucleotide variant.
Coding change: c.805A>T on transcript NM_022051.3 (MANE Select); coding-DNA position 805, A replaced by T.
Protein change: p.Ile269Phe; replaces isoleucine 269 with phenylalanine.
Molecular consequence: missense variant.
Genome position (GRCh38, 1-based): chr1:231,421,084, T>A on the plus strand (A>T on the coding strand, the complement: EGLN1 is on the minus strand). VCF-style: chr1-231421084-T-A. GRCh37 (hg19) VCF-style: chr1-231556830-T-A.
Other names: c.805A>T, p.Ile269Phe (NM_001377260.1, NM_001377261.1); short protein forms I269F.
Identifiers: ClinVar variation 1761833 (VCV001761833.3), dbSNP rs1656575336, ClinGen allele CA345235143.
Genomic context (GRCh38, chr1:231,421,084, plus strand): 5'-TGCCCAGCTTCCCGTTACAGTGGCGTATCAGGTCGTCCATGCTGCTCATGAGCAGCCCAA[T>A]GGTTTCGCAGCCGGGCTCCTTGCCCTCGATCCAGGTGATCTTATCGCCTCGGATGTCCTT-3'
Protein context (NP_071334.1, residues 259-279): IEGKEPGCET[Ile269Phe]GLLMSSMDDL